The following is an entry in ClinVar:

ClinVar aggregate classification (germline): Uncertain significance (1 of 4 stars; one submission).

Conditions:
Cystic fibrosis (CF). Also called: MUCOVISCIDOSIS. Identifiers: Orphanet 586, MedGen C0010674, MONDO:0009061, OMIM 219700. Disease mechanism: loss of function.

Allele frequency attached by ClinVar (database versions not stated): gnomAD exomes below 0.00001.
gnomAD v4.1: 1 of 1,611,602 alleles (0.000062%); highest among the groups gnomAD compares: Non-Finnish European, 0.000085%; no homozygotes.

Submission:

Ambry Genetics
Classification: Uncertain significance for Cystic fibrosis. Last evaluated: 2023-08-24. Review status: criteria provided, single submitter. Criteria: Ambry Variant Classification Scheme 2023. Collection method: clinical testing. Allele origin: germline.
Comment: The p.I1131T variant (also known as c.3392T>C), located in coding exon 21 of the CFTR gene, results from a T to C substitution at nucleotide position 3392. The isoleucine at codon 1131 is replaced by threonine, an amino acid with similar properties. This amino acid position is conserved. In addition, this alteration is predicted to be deleterious by in silico analysis. Since supporting evidence is limited at this time, the clinical significance of this alteration remains unclear.

NM_000492.4(CFTR):c.3392T>C (p.Ile1131Thr)

Genes: CFTR (CF transmembrane conductance regulator; plus strand), CFTR-AS2 (CFTR antisense RNA 2; minus strand). Cytogenetic location: 7q31.2.
Variant type: single nucleotide variant.
Coding change: c.3392T>C on transcript NM_000492.4 (MANE Select); coding-DNA position 3392, T replaced by C.
Protein change: p.Ile1131Thr; replaces isoleucine 1131 with threonine.
Molecular consequence: missense variant.
Genome position (GRCh38, 1-based): chr7:117,614,637, T>C. VCF-style: chr7-117614637-T-C. GRCh37 (hg19) VCF-style: chr7-117254691-T-C.
Other names: short protein forms I1131T.
Identifiers: ClinVar variation 2587612 (VCV002587612.2), dbSNP rs1562916038, ClinGen allele CA368993372.